The following is an entry in ClinVar:

NM_002907.4(RECQL):c.1658A>G (p.Gln553Arg)

Gene: RECQL (RecQ like helicase; minus strand). Cytogenetic location: 12p12.1.
Variant type: single nucleotide variant.
Coding change: c.1658A>G on transcript NM_002907.4 (MANE Select); coding-DNA position 1658, A replaced by G.
Protein change: p.Gln553Arg; replaces glutamine 553 with arginine.
Molecular consequence: missense variant.
Genome position (GRCh38, 1-based): chr12:21,471,437, T>C on the plus strand (A>G on the coding strand, the complement: RECQL is on the minus strand). VCF-style: chr12-21471437-T-C. GRCh37 (hg19) VCF-style: chr12-21624371-T-C.
Other names: c.1658A>G, p.Gln553Arg (NM_032941.3); short protein forms Q553R.
Identifiers: ClinVar variation 1777390 (VCV001777390.2), dbSNP rs2540319545, ClinGen allele CA384114971.

ClinVar aggregate classification (germline): Uncertain significance (1 of 4 stars; one submission).

Submission:

Ambry Genetics
Classification: Uncertain significance. Last evaluated: 2022-03-06. Review status: criteria provided, single submitter. Criteria: Ambry Variant Classification Scheme 2023. Collection method: clinical testing. Allele origin: germline.
Comment: The p.Q553R variant (also known as c.1658A>G), located in coding exon 12 of the RECQL gene, results from an A to G substitution at nucleotide position 1658. The glutamine at codon 553 is replaced by arginine, an amino acid with highly similar properties. This amino acid position is conserved. In addition, this alteration is predicted to be tolerated by in silico analysis. Since supporting evidence is limited at this time, the clinical significance of this alteration remains unclear.